The following is an entry in ClinVar:

ClinVar aggregate classification (germline): Uncertain significance (1 of 4 stars; one submission).

Conditions:
Facioscapulohumeral muscular dystrophy 2 (FSHD2). Also called: MUSCULAR DYSTROPHY, FACIOSCAPULOHUMERAL, TYPE 1B; FACIOSCAPULOHUMERAL MUSCULAR DYSTROPHY 2, DIGENIC; FSHD2, DIGENIC. Identifiers: Orphanet 269, MedGen C1834671, MONDO:0008031, OMIM 158901.

Submission:

Labcorp Genetics (formerly Invitae), Labcorp
Classification: Uncertain significance for Facioscapulohumeral muscular dystrophy 2. Last evaluated: 2022-12-04. Review status: criteria provided, single submitter. Criteria: Invitae Variant Classification Sherloc (09022015). Collection method: clinical testing. Allele origin: germline.
Comment: Advanced modeling of protein sequence and biophysical properties (such as structural, functional, and spatial information, amino acid conservation, physicochemical variation, residue mobility, and thermodynamic stability) performed at Invitae indicates that this missense variant is expected to disrupt SMCHD1 protein function. In summary, the available evidence is currently insufficient to determine the role of this variant in disease. Therefore, it has been classified as a Variant of Uncertain Significance. This variant has not been reported in the literature in individuals affected with SMCHD1-related conditions. This variant is not present in population databases (gnomAD no frequency). This sequence change replaces alanine, which is neutral and non-polar, with threonine, which is neutral and polar, at codon 867 of the SMCHD1 protein (p.Ala867Thr).

NM_015295.3(SMCHD1):c.2599G>A (p.Ala867Thr)

Gene: SMCHD1 (structural maintenance of chromosomes flexible hinge domain containing 1; plus strand). Cytogenetic location: 18p11.32.
Variant type: single nucleotide variant.
Coding change: c.2599G>A on transcript NM_015295.3 (MANE Select); coding-DNA position 2599, G replaced by A.
Protein change: p.Ala867Thr; replaces alanine 867 with threonine.
Molecular consequence: missense variant.
Genome position (GRCh38, 1-based): chr18:2,722,659, G>A. VCF-style: chr18-2722659-G-A. GRCh37 (hg19) VCF-style: chr18-2722657-G-A.
Other names: short protein forms A867T.
Identifiers: ClinVar variation 2911579 (VCV002911579.3), dbSNP rs2510071906, ClinGen allele CA401681781.